The following is an entry in ClinVar:

NM_053025.4(MYLK):c.2183G>A (p.Arg728His)

Gene: MYLK (myosin light chain kinase; minus strand). Cytogenetic location: 3q21.1.
Variant type: single nucleotide variant.
Coding change: c.2183G>A on transcript NM_053025.4 (MANE Select); coding-DNA position 2183, G replaced by A.
Protein change: p.Arg728His; replaces arginine 728 with histidine.
Molecular consequence: missense variant.
Genome position (GRCh38, 1-based): chr3:123,707,961, C>T on the plus strand (G>A on the coding strand, the complement: MYLK is on the minus strand). VCF-style: chr3-123707961-C-T. GRCh37 (hg19) VCF-style: chr3-123426808-C-T.
Other names: c.1655G>A, p.Arg552His (NM_001321309.2); c.1976G>A, p.Arg659His (NM_053026.4, NM_053028.4); c.2183G>A, p.Arg728His (NM_053027.4); short protein forms R728H, R552H, R659H.
Identifiers: ClinVar variation 393068 (VCV000393068.25), dbSNP rs370154845, ClinGen allele CA068253.

ClinVar aggregate classification (germline): Conflicting classifications of pathogenicity. Review status: criteria provided, conflicting classifications (1 of 4 stars). 6 submissions from 6 submitters: Uncertain significance (1); Likely benign (3). 2 of the submissions do not count toward it. Last evaluated 2025-07-16.

Conditions:
Aortic aneurysm, familial thoracic 7 (AAT7). Also called: AORTIC DISSECTION, FAMILIAL, WITH OR WITHOUT AORTIC ANEURYSM. Identifiers: MedGen C3151077, MONDO:0013418, OMIM 613780.

Allele frequency attached by ClinVar (database versions not stated): gnomAD 0.00003 and 0.00004; TOPMed 0.00003; gnomAD exomes 0.00005 and 0.00006; ExAC 0.00008; ESP Exome Variant Server 0.00008.
gnomAD v4.1: 76 of 1,614,010 alleles (0.0047%); highest among the groups gnomAD compares: South Asian, 0.02%; no homozygotes.

Submissions (6):

Labcorp Genetics (formerly Invitae), Labcorp
Classification: Likely benign for Aortic aneurysm, familial thoracic 7. Last evaluated: 2025-07-16. Review status: criteria provided, single submitter. Criteria: Invitae Variant Classification Sherloc (09022015). Collection method: clinical testing. Allele origin: germline.

CeGaT Center for Human Genetics Tuebingen
Classification: Uncertain significance. Last evaluated: 2025-01-01. Review status: criteria provided, single submitter. Criteria: CeGaT Center For Human Genetics Tuebingen Variant Classification Criteria Version 2. Collection method: clinical testing. Allele origin: germline. Affected: yes. Observed: 1 variant allele.
Comment: MYLK: PM2, BP4

Women's Health and Genetics/Laboratory Corporation of America, LabCorp
Classification: Likely benign. Last evaluated: 2024-09-29. Review status: criteria provided, single submitter. Criteria: LabCorp Variant Classification Summary - May 2015. Collection method: clinical testing. Allele origin: germline.

GeneDx
Classification: Likely benign. Last evaluated: 2022-11-14. Review status: criteria provided, single submitter. Criteria: GeneDx Variant Classification Process June 2021. Collection method: clinical testing. Allele origin: germline. Affected: yes.
Comment: See Variant Classification Assertion Criteria.

Clinical Genetics DNA and cytogenetics Diagnostics Lab, Erasmus MC, Erasmus Medical Center
Classification: Uncertain significance. Review status: no assertion criteria provided. Collection method: clinical testing. Allele origin: germline. Affected: yes. Study: VKGL Data-share Consensus. Not counted in ClinVar's aggregate classification.

Diagnostic Laboratory, Department of Genetics, University Medical Center Groningen
Classification: Uncertain significance. Review status: no assertion criteria provided. Collection method: clinical testing. Allele origin: germline. Affected: yes. Study: VKGL Data-share Consensus. Not counted in ClinVar's aggregate classification.